The following is an entry in ClinVar:

ClinVar aggregate classification (germline): Likely benign. Review status: reviewed by expert panel (3 of 4 stars). 4 submissions from 4 submitters: Likely benign (1). 3 of the submissions do not count toward it. Last evaluated 2017-06-29.

Conditions:
Hereditary breast ovarian cancer syndrome. Also called: Hereditary breast and ovarian cancer syndrome (HBOC); BRCA1- and BRCA2-Associated Hereditary Breast and Ovarian Cancer; Hereditary breast and/or ovarian cancer syndrome; Hereditary breast and ovarian cancer syndrome; Hereditary breast and ovarian cancer; Breast and ovarian cancer. Identifiers: Orphanet 145, MedGen C0677776, MeSH D061325, MONDO:0003582. Disease mechanism: loss of function.
Hereditary cancer-predisposing syndrome. Also called: Neoplastic Syndromes, Hereditary; Hereditary neoplastic syndrome; Tumor predisposition; Hereditary Cancer Syndrome. Identifiers: Orphanet 140162, MedGen C0027672, MeSH D009386, MONDO:0015356.
Breast-ovarian cancer, familial, susceptibility to, 1 (BROVCA1). Also called: BRCA1 Hereditary Breast and Ovarian Cancer; OVARIAN CANCER, SUSCEPTIBILITY TO. Identifiers: Orphanet 145, MedGen C2676676, MONDO:0011450, OMIM 604370. Disease mechanism: loss of function.

Submissions (4):

Evidence-based Network for the Interpretation of Germline Mutant Alleles (ENIGMA)
Classification: Likely benign for Breast-ovarian cancer, familial, susceptibility to, 1. Last evaluated: 2017-06-29. Review status: reviewed by expert panel. Criteria: ENIGMA BRCA1/2 Classification Criteria (2017-06-29). Collection method: curation. Allele origin: germline.
Comment: Synonymous substitution variant, with low bioinformatic likelihood to result in a splicing aberration (Splicing prior probability 0.02).

Labcorp Genetics (formerly Invitae), Labcorp
Classification: Likely benign for Hereditary breast ovarian cancer syndrome. Last evaluated: 2025-12-16. Review status: criteria provided, single submitter. Criteria: Invitae Variant Classification Sherloc (09022015). Collection method: clinical testing. Allele origin: germline. Not counted in ClinVar's aggregate classification.

Color Diagnostics, LLC DBA Color Health
Classification: Likely benign for Hereditary cancer-predisposing syndrome. Last evaluated: 2021-04-19. Review status: criteria provided, single submitter. Criteria: ACMG Guidelines, 2015. Collection method: clinical testing. Allele origin: germline. Not counted in ClinVar's aggregate classification.

Ambry Genetics
Classification: Likely benign for Hereditary cancer-predisposing syndrome. Last evaluated: 2020-10-13. Review status: criteria provided, single submitter. Criteria: Ambry Variant Classification Scheme 2023. Collection method: clinical testing. Allele origin: germline. Not counted in ClinVar's aggregate classification.

NM_007294.4(BRCA1):c.639G>A (p.Arg213=)

Gene: BRCA1 (BRCA1 DNA repair associated; minus strand). Cytogenetic location: 17q21.31.
Variant type: single nucleotide variant.
Coding change: c.639G>A on transcript NM_007294.4 (MANE Select); coding-DNA position 639, G replaced by A.
Protein change: p.Arg213=; no amino-acid change (arginine 213 retained).
Molecular consequence: synonymous variant. On other transcripts: intron variant (115).
Genome position (GRCh38, 1-based): chr17:43,095,877, C>T on the plus strand (G>A on the coding strand, the complement: BRCA1 is on the minus strand). VCF-style: chr17-43095877-C-T. GRCh37 (hg19) VCF-style: chr17-41247894-C-T.
Other names: c.407-1017G>A (NM_001407935.1, NM_001407926.1, NM_001408496.1 and 15 more transcripts); c.544+3898G>A (NM_001408495.1); c.545-1017G>A (NM_001408448.1, NM_001408445.1, NM_001408432.1 and 20 more transcripts); c.548-1017G>A (NM_001408427.1, NM_001407668.1, NM_001408443.1 and 34 more transcripts); c.404-1017G>A (NM_001407936.1, NM_001407930.1, NM_001408504.1 and 5 more transcripts); c.470-1017G>A (NM_001408476.1, NM_001408474.1, NM_001407862.1); c.335-1017G>A (NM_001407958.1, NM_001407955.1, NM_001407954.1 and 3 more transcripts); c.338-1017G>A (NM_001408502.1, NM_001407951.1, NM_001407946.1 and 7 more transcripts); and 17 more.
Identifiers: ClinVar variation 427265 (VCV000427265.13), dbSNP rs1131692078, ClinGen allele CA500124047.